The following is an entry in ClinVar:

NM_000492.4(CFTR):c.4129G>C (p.Asp1377His)

Gene: CFTR (CF transmembrane conductance regulator; plus strand). Cytogenetic location: 7q31.2.
Variant type: single nucleotide variant.
Coding change: c.4129G>C on transcript NM_000492.4 (MANE Select); coding-DNA position 4129, G replaced by C.
Protein change: p.Asp1377His; replaces aspartic acid 1377 with histidine.
Molecular consequence: missense variant.
Genome position (GRCh38, 1-based): chr7:117,664,853, G>C. VCF-style: chr7-117664853-G-C. GRCh37 (hg19) VCF-style: chr7-117304907-G-C.
Other names: p.Asp1377His; short protein forms D1377H.
Identifiers: ClinVar variation 53896 (VCV000053896.20), dbSNP rs150683293, ClinGen allele CA327414.

ClinVar aggregate classification (germline): Conflicting classifications of pathogenicity. Review status: criteria provided, conflicting classifications (1 of 4 stars). 7 submissions from 7 submitters: Pathogenic (2); Likely pathogenic (1); Uncertain significance (4). Last evaluated 2026-02-18.

Conditions:
CFTR-related disorder (CFTR-RD). Also called: CFTR-related condition; CFTR-related disorders. Identifiers: MedGen C5924204, MONDO:7770004.
Congenital bilateral aplasia of vas deferens from CFTR mutation (CBAVD). Identifiers: Orphanet 48, MedGen C0403814, MONDO:0010178, OMIM 277180. Disease mechanism: loss of function.
Cystic fibrosis (CF). Also called: MUCOVISCIDOSIS. Identifiers: Orphanet 586, MedGen C0010674, MONDO:0009061, OMIM 219700. Disease mechanism: loss of function.

Allele frequency attached by ClinVar (database versions not stated): ExAC 0.00001; TOPMed 0.00002.
gnomAD v4.1: 8 of 1,613,786 alleles (0.0005%); highest among the groups gnomAD compares: Non-Finnish European, 0.00068%; no homozygotes.

Submissions (7):

Women's Health and Genetics/Laboratory Corporation of America, LabCorp
Classification: Uncertain significance. Last evaluated: 2026-02-18. Review status: criteria provided, single submitter. Criteria: LabCorp Variant Classification Summary - May 2015. Collection method: clinical testing. Allele origin: germline.
Comment: Variant summary: CFTR c.4129G>C (p.Asp1377His) results in a non-conservative amino acid change located in the ATP-binding domain (IPR003439) of the encoded protein sequence. Algorithms developed to predict the effect of missense changes on protein structure and function all suggest that this variant is likely to be disruptive. The variant allele was found at a frequency of 4e-06 in 251184 control chromosomes (gnomAD). c.4129G>C has been reported in the literature in individuals affected with Congenital Bilateral Absence Of The Vas Deferens (Costes_1995, DeBraekeleer_1996, Dork_1997, Steiner_2011). These data indicate that the variant may be associated with disease. At least one publication reports experimental evidence evaluating an impact on protein function. The most pronounced variant effect resulted in approximately 70% of normal chloride channel conductance relative to wild type (e.g., Bihler_2024). The following publications have been ascertained in the context of this evaluation (PMID: 38388235, 8556303, 9239681, 9272157, 34405919, 21520337). ClinVar contains an entry for this variant (Variation ID: 53896). Based on the evidence outlined above, the variant was classified as VUS-possibly pathogenic.

Labcorp Genetics (formerly Invitae), Labcorp
Classification: Pathogenic for Cystic fibrosis. Last evaluated: 2025-12-26. Review status: criteria provided, single submitter. Criteria: Invitae Variant Classification Sherloc (09022015). Collection method: clinical testing. Allele origin: germline.
Comment: This sequence change replaces aspartic acid, which is acidic and polar, with histidine, which is basic and polar, at codon 1377 of the CFTR protein (p.Asp1377His). This variant is present in population databases (rs150683293, gnomAD 0.0009%). This missense change has been observed in individual(s) with CFTR-related conditions (PMID: 8556303, 9239681, 9272157). In at least one individual the data is consistent with being in trans (on the opposite chromosome) from a pathogenic variant. ClinVar contains an entry for this variant (Variation ID: 53896). Invitae Evidence Modeling of protein sequence and biophysical properties (such as structural, functional, and spatial information, amino acid conservation, physicochemical variation, residue mobility, and thermodynamic stability) indicates that this missense variant is expected to disrupt CFTR protein function with a positive predictive value of 80%. Algorithms developed to predict the effect of sequence changes on RNA splicing suggest that this variant may disrupt the consensus splice site. For these reasons, this variant has been classified as Pathogenic.

Otogenetics
Classification: Likely pathogenic for Cystic fibrosis; Congenital bilateral aplasia of vas deferens from CFTR mutation. Last evaluated: 2025-12-12. Review status: criteria provided, single submitter. Criteria: ACMG Guidelines, 2015. Collection method: clinical testing. Allele origin: germline.
Comment: PM2: Maximum gnomAD MAF of 0.0009% in European-Non Finnish (NFE) subpopulation (<0.296% threshold); PM3_Strong: Variant reported in trans with 2 pathogenic variants in 4 individuals affected with congenital bilateral absence of the vas deferens (CBAVD) (PMID: 8556303, 9239681, 9272157, 21520337); PP3: In-silico models predict deleterious effect (Revel = 0.94, BayesDel = 0.56)

Mayo Clinic Laboratories, Mayo Clinic
Classification: Uncertain significance. Last evaluated: 2024-04-25. Review status: criteria provided, single submitter. Criteria: ACMG Guidelines, 2015. Collection method: clinical testing. Allele origin: germline. Observed: 1 variant allele.
Comment: PP3, PM2_moderate, PM3_supporting

Ambry Genetics
Classification: Uncertain significance for Cystic fibrosis. Last evaluated: 2024-04-10. Review status: criteria provided, single submitter. Criteria: Ambry Variant Classification Scheme 2023. Collection method: clinical testing. Allele origin: germline.
Comment: The p.D1377H variant (also known as c.4129G>C), located in coding exon 25 of the CFTR gene, results from a G to C substitution at nucleotide position 4129. The aspartic acid at codon 1377 is replaced by histidine, an amino acid with similar properties. This amino acid position is highly conserved in available vertebrate species. In addition, this alteration is predicted to be deleterious by in silico analysis. Based on the available evidence, the clinical significance of this variant remains unclear.

CFTR-France
Classification: Pathogenic for CFTR-related disorders. Last evaluated: 2018-01-29. Review status: criteria provided, single submitter. Criteria: Claustres M et al. (Hum Mutat 2017). Collection method: curation. Allele origin: germline. Affected: yes.

Eurofins Ntd Llc (ga)
Classification: Uncertain significance. Last evaluated: 2016-06-23. Review status: criteria provided, single submitter. Criteria: EGL Classification Definitions 2015. Collection method: clinical testing. Allele origin: germline. Observed: 2 variant alleles, 2 heterozygotes.

Literature cited by the submitters: PubMed 9272157 (cited by 4 submitters); PubMed 9239681 (cited by 4 submitters); PubMed 21520337 (cited by Women's Health and Genetics/Laboratory Corporation of America, LabCorp and Otogenetics); PubMed 34405919 (cited by Women's Health and Genetics/Laboratory Corporation of America, LabCorp and Mayo Clinic Laboratories, Mayo Clinic); PubMed 8556303 (cited by 4 submitters); PubMed 38388235 (cited by Women's Health and Genetics/Laboratory Corporation of America, LabCorp and Mayo Clinic Laboratories, Mayo Clinic); PubMed 26277102 (cited by Mayo Clinic Laboratories, Mayo Clinic); PubMed 33747920 (cited by Mayo Clinic Laboratories, Mayo Clinic); PubMed 35913788 (cited by Mayo Clinic Laboratories, Mayo Clinic).